The following is an entry in ClinVar:

NM_015205.3(ATP11A):c.2670C>T (p.Asn890=)

Gene: ATP11A (ATPase phospholipid transporting 11A; plus strand). Cytogenetic location: 13q34.
Variant type: single nucleotide variant.
Coding change: c.2670C>T on transcript NM_015205.3 (MANE Select); coding-DNA position 2670, C replaced by T.
Protein change: p.Asn890=; no amino-acid change (asparagine 890 retained).
Molecular consequence: synonymous variant.
Genome position (GRCh38, 1-based): chr13:112,859,395, C>T. VCF-style: chr13-112859395-C-T. GRCh37 (hg19) VCF-style: chr13-113513709-C-T.
Other names: c.2670C>T, p.Asn890= (NM_032189.4).
Identifiers: ClinVar variation 730461 (VCV000730461.7), dbSNP rs150625424, ClinGen allele CA7057262.

ClinVar aggregate classification (germline): Likely benign. Review status: criteria provided, multiple submitters, no conflicts (2 of 4 stars). 3 submissions from 3 submitters: Likely benign (3). Last evaluated 2026-04-01.

Allele frequency attached by ClinVar (database versions not stated): gnomAD exomes 0.00092 and 0.00155; 1000 Genomes Project 0.00100; 1000 Genomes Project 30x 0.00109; ExAC 0.00131; gnomAD 0.00176 and 0.00180; ESP Exome Variant Server 0.00192; TOPMed 0.00203.
gnomAD v4.1: 1,712 of 1,613,938 alleles (0.11%); highest among the groups gnomAD compares: Middle Eastern, 0.73%; 6 homozygotes.

Submissions (3):

CeGaT Center for Human Genetics Tuebingen
Classification: Likely benign. Last evaluated: 2026-04-01. Review status: criteria provided, single submitter. Criteria: CeGaT Center For Human Genetics Tuebingen Variant Classification Criteria Version 2. Collection method: clinical testing. Allele origin: germline. Affected: yes. Observed: 1 variant allele.
Comment: ATP11A: BP4, BP7

Labcorp Genetics (formerly Invitae), Labcorp
Classification: Likely benign. Last evaluated: 2019-12-31. Review status: criteria provided, single submitter. Criteria: Invitae Variant Classification Sherloc (09022015). Collection method: clinical testing. Allele origin: germline.

Breakthrough Genomics
Classification: Likely benign. Review status: criteria provided, single submitter. Criteria: ACMG Guidelines, 2015. Collection method: not provided. Allele origin: germline. Inheritance: Autosomal dominant inheritance. Affected: yes.